The following is an entry in ClinVar:

ClinVar aggregate classification (germline): Uncertain significance. Review status: criteria provided, multiple submitters, no conflicts (2 of 4 stars). 2 submissions from 2 submitters: Uncertain significance (2). Last evaluated 2025-08-07.

Conditions:
Emery-Dreifuss muscular dystrophy (EDMD). Also called: Scapuloperoneal syndrome, X-linked (formerly); Humeroperoneal neuromuscular disease, (formerly). Identifiers: Orphanet 261, MedGen C0410189, MONDO:0016830.

Allele frequency attached by ClinVar (database versions not stated): TOPMed 0.00002; gnomAD 0.00003.
gnomAD v4.1: 63 of 1,613,576 alleles (0.0039%); highest among the groups gnomAD compares: Admixed American, 0.0067%; no homozygotes.

Submissions (2):

Ambry Genetics
Classification: Uncertain significance. Last evaluated: 2025-08-07. Review status: criteria provided, single submitter. Criteria: Ambry Variant Classification Scheme 2023. Collection method: clinical testing. Allele origin: germline.

Labcorp Genetics (formerly Invitae), Labcorp
Classification: Uncertain significance for Emery-Dreifuss muscular dystrophy. Last evaluated: 2024-11-08. Review status: criteria provided, single submitter. Criteria: Invitae Variant Classification Sherloc (09022015). Collection method: clinical testing. Allele origin: germline.
Comment: This sequence change replaces threonine, which is neutral and polar, with methionine, which is neutral and non-polar, at codon 342 of the SUN1 protein (p.Thr342Met). This variant is present in population databases (rs544208812, gnomAD 0.009%). This variant has not been reported in the literature in individuals affected with SUN1-related conditions. ClinVar contains an entry for this variant (Variation ID: 582003). An algorithm developed to predict the effect of missense changes on protein structure and function (PolyPhen-2) suggests that this variant is likely to be tolerated. In summary, the available evidence is currently insufficient to determine the role of this variant in disease. Therefore, it has been classified as a Variant of Uncertain Significance.

NM_001130965.3(SUN1):c.1025C>T (p.Thr342Met)

Gene: SUN1 (Sad1 and UNC84 domain containing 1; plus strand). Cytogenetic location: 7p22.3.
Variant type: single nucleotide variant.
Coding change: c.1025C>T on transcript NM_001130965.3 (MANE Select); coding-DNA position 1025, C replaced by T.
Protein change: p.Thr342Met; replaces threonine 342 with methionine.
Molecular consequence: missense variant. On other transcripts: non-coding transcript variant (3).
Genome position (GRCh38, 1-based): chr7:852,924, C>T. VCF-style: chr7-852924-C-T. GRCh37 (hg19) VCF-style: chr7-892561-C-T.
Other names: c.716C>T, p.Thr239Met (NM_001171944.2); c.1025C>T, p.Thr342Met (NM_001367633.1, NM_001367634.1, NM_001367653.1 and 1 more transcripts); c.674C>T, p.Thr225Met (NM_001367635.1); c.1265C>T, p.Thr422Met (NM_001367636.1, NM_001367691.1); c.1133C>T, p.Thr378Met (NM_001367638.1); c.566C>T, p.Thr189Met (NM_001367639.1); c.1205C>T, p.Thr402Met (NM_001367640.1); c.1307C>T, p.Thr436Met (NM_001367641.1, NM_001367682.1); and 38 more; short protein forms T342M, T189M, T291M, T292M, T320M, T329M, T358M, T423M.
Identifiers: ClinVar variation 582003 (VCV000582003.9), dbSNP rs544208812, ClinGen allele CA4112039.